The following is an entry in ClinVar:

NM_000444.6(PHEX):c.230G>T (p.Cys77Phe)

Gene: PHEX (phosphate regulating endopeptidase X-linked; plus strand). Cytogenetic location: Xp22.11.
Variant type: single nucleotide variant.
Coding change: c.230G>T on transcript NM_000444.6 (MANE Select); coding-DNA position 230, G replaced by T.
Protein change: p.Cys77Phe; replaces cysteine 77 with phenylalanine.
Molecular consequence: missense variant.
Genome position (GRCh38, 1-based): chrX:22,047,092, G>T. VCF-style: chrX-22047092-G-T. GRCh37 (hg19) VCF-style: chrX-22065210-G-T.
Other names: c.230G>T, p.Cys77Phe (NM_001282754.2); short protein forms C77F.
Identifiers: ClinVar variation 438501 (VCV000438501.14), dbSNP rs1556014263, ClinGen allele CA412567578.

ClinVar aggregate classification (germline): Pathogenic. Review status: criteria provided, multiple submitters, no conflicts (2 of 4 stars). 2 submissions from 2 submitters: Pathogenic (2). Last evaluated 2024-10-12.

Conditions:
Familial X-linked hypophosphatemic vitamin D refractory rickets (XLHRD). Also called: X-Linked Hypophosphatemia; Hypophosphatemic Rickets, X-Linked Dominant; HYPOPHOSPHATEMIC VITAMIN D-RESISTANT RICKETS; Hypophosphatemia, vitamin D-resistant rickets; Vitamin D-resistant rickets, X-linked. Identifiers: Orphanet 89936, MedGen C0733682, MONDO:0010619, OMIM 307800.

Submissions (2):

Labcorp Genetics (formerly Invitae), Labcorp
Classification: Pathogenic. Last evaluated: 2024-10-12. Review status: criteria provided, single submitter. Criteria: Invitae Variant Classification Sherloc (09022015). Collection method: clinical testing. Allele origin: germline.
Comment: This sequence change replaces cysteine, which is neutral and slightly polar, with phenylalanine, which is neutral and non-polar, at codon 77 of the PHEX protein (p.Cys77Phe). This variant is not present in population databases (gnomAD no frequency). This missense change has been observed in individual(s) with hypophosphatemia (internal data). ClinVar contains an entry for this variant (Variation ID: 438501). Invitae Evidence Modeling of protein sequence and biophysical properties (such as structural, functional, and spatial information, amino acid conservation, physicochemical variation, residue mobility, and thermodynamic stability) indicates that this missense variant is expected to disrupt PHEX protein function with a positive predictive value of 95%. This variant disrupts the p.Cys77 amino acid residue in PHEX. Other variant(s) that disrupt this residue have been determined to be pathogenic (PMID: 9097956, 26051471, 27840894). This suggests that this residue is clinically significant, and that variants that disrupt this residue are likely to be disease-causing. For these reasons, this variant has been classified as Pathogenic.

Institute of Human Genetics Munich, TUM University Hospital
Classification: Pathogenic for Familial X-linked hypophosphatemic vitamin D refractory rickets. Last evaluated: 2013-10-31. Review status: criteria provided, single submitter. Criteria: Classification criteria August 2017. Collection method: clinical testing. Allele origin: maternal, germline. Inheritance: X-linked inheritance. Affected: yes. Observed: 1 heterozygote, 1 hemizygote.

Literature cited by the submitters: PubMed 9097956 (cited by Labcorp Genetics (formerly Invitae), Labcorp); PubMed 26051471 (cited by Labcorp Genetics (formerly Invitae), Labcorp); PubMed 27840894 (cited by Labcorp Genetics (formerly Invitae), Labcorp).